The following is an entry in ClinVar:

NM_001080517.3(SETD5):c.2016G>A (p.Arg672=)

Gene: SETD5 (SET domain containing 5; plus strand). Cytogenetic location: 3p25.3.
Variant type: single nucleotide variant.
Coding change: c.2016G>A on transcript NM_001080517.3 (MANE Select); coding-DNA position 2016, G replaced by A.
Protein change: p.Arg672=; no amino-acid change (arginine 672 retained).
Molecular consequence: synonymous variant.
Genome position (GRCh38, 1-based): chr3:9,447,919, G>A. VCF-style: chr3-9447919-G-A. GRCh37 (hg19) VCF-style: chr3-9489603-G-A.
Other names: c.1722G>A, p.Arg574= (NM_001292043.2, NM_001349451.2).
Identifiers: ClinVar variation 1956563 (VCV001956563.9), dbSNP rs2042201332, ClinGen allele CA432384688.

ClinVar aggregate classification (germline): Likely benign. Review status: criteria provided, multiple submitters, no conflicts (2 of 4 stars). 2 submissions from 2 submitters: Likely benign (2). Last evaluated 2026-04-01.

Allele frequency attached by ClinVar (database versions not stated): gnomAD exomes below 0.00001; TOPMed 0.00001.
gnomAD v4.1: 2 of 1,613,888 alleles (0.00012%); highest among the groups gnomAD compares: Admixed American, 0.0033%; no homozygotes.

Submissions (2):

CeGaT Center for Human Genetics Tuebingen
Classification: Likely benign. Last evaluated: 2026-04-01. Review status: criteria provided, single submitter. Criteria: CeGaT Center For Human Genetics Tuebingen Variant Classification Criteria Version 2. Collection method: clinical testing. Allele origin: germline. Affected: yes. Observed: 2 variant alleles.
Comment: SETD5: BP4, BP7

Labcorp Genetics (formerly Invitae), Labcorp
Classification: Likely benign. Last evaluated: 2025-06-10. Review status: criteria provided, single submitter. Criteria: Invitae Variant Classification Sherloc (09022015). Collection method: clinical testing. Allele origin: germline.